The following is an entry in ClinVar:

ClinVar aggregate classification (germline): Uncertain significance (1 of 4 stars; one submission).

gnomAD v4.1: 6 of 1,613,082 alleles (0.00037%); highest among the groups gnomAD compares: Non-Finnish European, 0.00042%; no homozygotes.

Submission:

Labcorp Genetics (formerly Invitae), Labcorp
Classification: Uncertain significance. Last evaluated: 2024-07-23. Review status: criteria provided, single submitter. Criteria: Invitae Variant Classification Sherloc (09022015). Collection method: clinical testing. Allele origin: germline.
Comment: This sequence change replaces valine, which is neutral and non-polar, with methionine, which is neutral and non-polar, at codon 1601 of the PCNT protein (p.Val1601Met). This variant is not present in population databases (gnomAD no frequency). This variant has not been reported in the literature in individuals affected with PCNT-related conditions. An algorithm developed to predict the effect of missense changes on protein structure and function (PolyPhen-2) suggests that this variant¬†is likely to be tolerated. In summary, the available evidence is currently insufficient to determine the role of this variant in disease. Therefore, it has been classified as a Variant of Uncertain Significance.

NM_006031.6(PCNT):c.4801G>A (p.Val1601Met)

Gene: PCNT (pericentrin; plus strand). Cytogenetic location: 21q22.3.
Variant type: single nucleotide variant.
Coding change: c.4801G>A on transcript NM_006031.6 (MANE Select); coding-DNA position 4801, G replaced by A.
Protein change: p.Val1601Met; replaces valine 1601 with methionine.
Molecular consequence: missense variant.
Genome position (GRCh38, 1-based): chr21:46,401,560, G>A. VCF-style: chr21-46401560-G-A. GRCh37 (hg19) VCF-style: chr21-47821474-G-A.
Other names: c.4447G>A, p.Val1483Met (NM_001315529.2); short protein forms V1483M, V1601M.
Identifiers: ClinVar variation 3608625 (VCV003608625.1).